The following is an entry in ClinVar:

NM_015965.7(NDUFA13):c.36G>C (p.Pro12=)

Genes: NDUFA13 (NADH:ubiquinone oxidoreductase subunit A13; plus strand), LOC130064074 (ATAC-STARR-seq lymphoblastoid active region 14360; plus strand). Cytogenetic location: 19p13.11.
Variant type: single nucleotide variant.
Coding change: c.36G>C on transcript NM_015965.7 (MANE Select); coding-DNA position 36, G replaced by C.
Protein change: p.Pro12=; no amino-acid change (proline 12 retained).
Molecular consequence: synonymous variant.
Genome position (GRCh38, 1-based): chr19:19,516,274, G>C. VCF-style: chr19-19516274-G-C. GRCh37 (hg19) VCF-style: chr19-19627083-G-C.
Identifiers: ClinVar variation 3778154 (VCV003778154.7).

ClinVar aggregate classification (germline): Likely benign (1 of 4 stars; one submission).

gnomAD v4.1: 17 of 1,613,804 alleles (0.0011%); highest among the groups gnomAD compares: Middle Eastern, 0.066%; no homozygotes.

Submission:

CeGaT Center for Human Genetics Tuebingen
Classification: Likely benign. Last evaluated: 2025-03-01. Review status: criteria provided, single submitter. Criteria: CeGaT Center For Human Genetics Tuebingen Variant Classification Criteria Version 2. Collection method: clinical testing. Allele origin: germline. Affected: yes. Observed: 1 variant allele.
Comment: NDUFA13: BP4, BP7